The following is an entry in ClinVar:

ClinVar aggregate classification (germline): Uncertain significance (1 of 4 stars; one submission).

gnomAD v4.1: 1 of 1,510,068 alleles (0.000066%); highest among the groups gnomAD compares: South Asian, 0.0012%; no homozygotes.

Submission:

Labcorp Genetics (formerly Invitae), Labcorp
Classification: Uncertain significance. Last evaluated: 2021-12-24. Review status: criteria provided, single submitter. Criteria: Invitae Variant Classification Sherloc (09022015). Collection method: clinical testing. Allele origin: germline.
Comment: This variant is not present in population databases (gnomAD no frequency). In summary, the available evidence is currently insufficient to determine the role of this variant in disease. Therefore, it has been classified as a Variant of Uncertain Significance. Algorithms developed to predict the effect of missense changes on protein structure and function output the following: SIFT: "Deleterious"; PolyPhen-2: "Benign"; Align-GVGD: "Class C25". The leucine amino acid residue is found in multiple mammalian species, which suggests that this missense change does not adversely affect protein function. This variant has not been reported in the literature in individuals affected with PRDM13-related conditions. This sequence change replaces valine, which is neutral and non-polar, with leucine, which is neutral and non-polar, at codon 405 of the PRDM13 protein (p.Val405Leu).

NM_021620.4(PRDM13):c.1213G>C (p.Val405Leu)

Gene: PRDM13 (PR/SET domain 13; plus strand). Cytogenetic location: 6q16.2.
Variant type: single nucleotide variant.
Coding change: c.1213G>C on transcript NM_021620.4 (MANE Select); coding-DNA position 1213, G replaced by C.
Protein change: p.Val405Leu; replaces valine 405 with leucine.
Molecular consequence: missense variant.
Genome position (GRCh38, 1-based): chr6:99,613,848, G>C. VCF-style: chr6-99613848-G-C. GRCh37 (hg19) VCF-style: chr6-100061724-G-C.
Other names: short protein forms V405L.
Identifiers: ClinVar variation 1462117 (VCV001462117.6), dbSNP rs754692246, ClinGen allele CA365117941.
Genomic context (GRCh38, chr6:99,613,848, plus strand): 5'-GCCCTGCGCGGCTTCCCTCTGCTCTCCGTCCCCCCGGAAGAGGCGTCCGCCTTCAAGCAC[G>C]TGGAGCGCGCCCCGCCCGCAGCCGCCGCGCTGCCAGGAGCGCGTTATGCGCAGCTGCCCC-3'
Protein context (NP_067633.2, residues 395-415): PPEEASAFKH[Val405Leu]ERAPPAAAAL